The following is an entry in ClinVar:

ClinVar aggregate classification (germline): Likely pathogenic (1 of 4 stars; one submission).

Conditions:
Distal myopathy with posterior leg and anterior hand involvement. Also called: WILLIAMS DISTAL MYOPATHY. Identifiers: Orphanet 63273, MedGen C3279722, MONDO:0013550, OMIM 614065.
Hypertrophic cardiomyopathy 26. Also called: Cardiomyopathy, familial hypertrophic, 26. Identifiers: Orphanet 75249, MedGen C4310749, MONDO:0014883, OMIM 617047.
Myofibrillar myopathy 5. Also called: Filaminopathy (type); FILAMINOPATHY, AUTOSOMAL DOMINANT. Identifiers: Orphanet 171445, MedGen C1836050, MONDO:0012289, OMIM 609524.

Submission:

Labcorp Genetics (formerly Invitae), Labcorp
Classification: Likely pathogenic for Distal myopathy with posterior leg and anterior hand involvement; Myofibrillar myopathy 5; Hypertrophic cardiomyopathy 26. Last evaluated: 2024-03-16. Review status: criteria provided, single submitter. Criteria: Invitae Variant Classification Sherloc (09022015). Collection method: clinical testing. Allele origin: germline.
Comment: This sequence change affects a donor splice site in intron 27 of the FLNC gene. It is expected to disrupt RNA splicing. Variants that disrupt the donor or acceptor splice site typically lead to a loss of protein function (PMID: 16199547), and loss-of-function variants in FLNC are known to be pathogenic (PMID: 27908349). This variant is not present in population databases (gnomAD no frequency). This variant has not been reported in the literature in individuals affected with FLNC-related conditions. Algorithms developed to predict the effect of sequence changes on RNA splicing suggest that this variant may disrupt the consensus splice site. In summary, the currently available evidence indicates that the variant is pathogenic, but additional data are needed to prove that conclusively. Therefore, this variant has been classified as Likely Pathogenic.

Literature cited by the submitters: PubMed 16199547; PubMed 27908349.

NM_001458.5(FLNC):c.4737+1G>T

Gene: FLNC (filamin C; plus strand). Cytogenetic location: 7q32.1.
Variant type: single nucleotide variant.
Coding change: c.4737+1G>T on transcript NM_001458.5 (MANE Select); the canonical splice donor site of the intron after coding-DNA position 4737, G replaced by T.
Molecular consequence: splice donor variant.
Genome position (GRCh38, 1-based): chr7:128,848,718, G>T. VCF-style: chr7-128848718-G-T. GRCh37 (hg19) VCF-style: chr7-128488772-G-T.
Other names: c.4737+1G>T (NM_001127487.2).
Identifiers: ClinVar variation 3755344 (VCV003755344.2).